The following is an entry in ClinVar:

NC_000016.9:g.(?_75572014)_(75576582_75579249)dup

Gene: TMEM231 (transmembrane protein 231; minus strand). Cytogenetic location: 16q23.1.
Variant type: Duplication.
Identifiers: ClinVar variation 3339114 (VCV003339114.1).

ClinVar aggregate classification (germline): Benign (1 of 4 stars; one submission).

Submission:

Women's Health and Genetics/Laboratory Corporation of America, LabCorp
Classification: Benign. Last evaluated: 2024-07-05. Review status: criteria provided, single submitter. Criteria: LabCorp Variant Classification Summary - May 2015. Collection method: clinical testing. Allele origin: germline.
Comment: Variant summary: The variant involves the duplication of exons 4-6 in the TMEM231 gene. A presumed nomenclature of c.(741+1_742-1)_(*1878_?)dup has been designated for the purposes of this classification. The exact breakpoint at the 3' end of this variant is unknown, therefore this duplication may extend downstream of the annotated region of the gene. As it duplicates the termination codon, its effect on the encoded protein is unknown. A large duplication corresponding to the duplication of exon 4-6 in TMEM231 (Size: ~40kbp) was found at a frequency of 0.016 in 21694 control chromosomes in the gnomAD database (Structural Variants v2.1 dataset), including 22 homozygotes. The observed variant frequency is approximately 40-fold of the estimated maximal expected allele frequency for a pathogenic variant in TMEM231 causing Joubert Syndrome And Related Disorders phenotype (0.0004). To our knowledge, no occurrence of c.(741+1_742-1)_(*1878_?)dup in individuals affected with Joubert Syndrome And Related Disorders and no experimental evidence demonstrating its impact on protein function have been reported. ClinVar contains an entry for this variant (Variation ID: 2423622). Based on the evidence outlined above, the variant was classified as benign.